The following is an entry in ClinVar:

NM_000136.3(FANCC):c.487G>A (p.Glu163Lys)

Gene: FANCC (FA complementation group C; minus strand). Cytogenetic location: 9q22.32.
Variant type: single nucleotide variant.
Coding change: c.487G>A on transcript NM_000136.3 (MANE Select); coding-DNA position 487, G replaced by A.
Protein change: p.Glu163Lys; replaces glutamic acid 163 with lysine.
Molecular consequence: missense variant.
Genome position (GRCh38, 1-based): chr9:95,171,113, C>T on the plus strand (G>A on the coding strand, the complement: FANCC is on the minus strand). VCF-style: chr9-95171113-C-T. GRCh37 (hg19) VCF-style: chr9-97933395-C-T.
Other names: c.487G>A, p.Glu163Lys (NM_001243743.2, NM_001243744.2); short protein forms E163K.
Identifiers: ClinVar variation 2450925 (VCV002450925.2), dbSNP rs2135579156, ClinGen allele CA374338613.
Genomic context (GRCh38, chr9:95,171,113, plus strand): 5'-AGAAGGATGTTTAGTTTAACACCTACCGCCTTTGAGTGTTAAATCCATTAAGATGATTCT[C>T]TCTGAGTTCAGACGCTAATGATAAAACCATCTGTAAAACAAAATCAGTTGCAGGTTAACT-3'
Protein context (NP_000127.2, residues 153-173): MVLSLASELR[Glu163Lys]NHLNGFNTQR

ClinVar aggregate classification (germline): Uncertain significance (1 of 4 stars; one submission).

Conditions:
Hereditary cancer-predisposing syndrome. Also called: Neoplastic Syndromes, Hereditary; Tumor predisposition; Hereditary neoplastic syndrome; Hereditary Cancer Syndrome. Identifiers: Orphanet 140162, MedGen C0027672, MeSH D009386, MONDO:0015356.

Submission:

Ambry Genetics
Classification: Uncertain significance for Hereditary cancer-predisposing syndrome. Last evaluated: 2022-12-23. Review status: criteria provided, single submitter. Criteria: Ambry Variant Classification Scheme 2023. Collection method: clinical testing. Allele origin: germline.
Comment: The p.E163K variant (also known as c.487G>A), located in coding exon 5 of the FANCC gene, results from a G to A substitution at nucleotide position 487. The glutamic acid at codon 163 is replaced by lysine, an amino acid with similar properties. This amino acid position is conserved. In addition, this alteration is predicted to be tolerated by in silico analysis. Since supporting evidence is limited at this time, the clinical significance of this alteration remains unclear.